The following is an entry in ClinVar:

ClinVar aggregate classification (germline): Uncertain significance (1 of 4 stars; one submission).

Conditions:
Pitt-Hopkins-like syndrome 2 (PTHSL2). Identifiers: Orphanet 221150, Orphanet 600663, MedGen C3280479, MONDO:0013690, OMIM 614325.

Allele frequency attached by ClinVar (database versions not stated): TOPMed below 0.00001; gnomAD 0.00001.
gnomAD v4.1: 5 of 1,614,048 alleles (0.00031%); highest among the groups gnomAD compares: South Asian, 0.0011%; no homozygotes.

Submission:

Labcorp Genetics (formerly Invitae), Labcorp
Classification: Uncertain significance for Pitt-Hopkins-like syndrome 2. Last evaluated: 2024-06-03. Review status: criteria provided, single submitter. Criteria: Invitae Variant Classification Sherloc (09022015). Collection method: clinical testing. Allele origin: germline.
Comment: This sequence change replaces asparagine, which is neutral and polar, with serine, which is neutral and polar, at codon 1519 of the NRXN1 protein (p.Asn1519Ser). This variant is not present in population databases (gnomAD no frequency). This variant has not been reported in the literature in individuals affected with NRXN1-related conditions. ClinVar contains an entry for this variant (Variation ID: 1055308). Advanced modeling of protein sequence and biophysical properties (such as structural, functional, and spatial information, amino acid conservation, physicochemical variation, residue mobility, and thermodynamic stability) performed at Invitae indicates that this missense variant is not expected to disrupt NRXN1 protein function with a negative predictive value of 80%. In summary, the available evidence is currently insufficient to determine the role of this variant in disease. Therefore, it has been classified as a Variant of Uncertain Significance.

NM_001330078.2(NRXN1):c.4436A>G (p.Asn1479Ser)

Gene: NRXN1 (neurexin 1; minus strand). Cytogenetic location: 2p16.3.
Variant type: single nucleotide variant.
Coding change: c.4436A>G on transcript NM_001330078.2 (MANE Select); coding-DNA position 4436, A replaced by G.
Protein change: p.Asn1479Ser; replaces asparagine 1479 with serine.
Molecular consequence: missense variant.
Genome position (GRCh38, 1-based): chr2:49,922,032, T>C on the plus strand (A>G on the coding strand, the complement: NRXN1 is on the minus strand). VCF-style: chr2-49922032-T-C. GRCh37 (hg19) VCF-style: chr2-50149170-T-C.
Other names: c.4556A>G, p.Asn1519Ser (NM_001135659.3); c.341A>G, p.Asn114Ser (NM_001320156.4); c.332A>G, p.Asn111Ser (NM_001320157.4); c.4412A>G, p.Asn1471Ser (NM_001330077.2); c.4403A>G, p.Asn1468Ser (NM_001330082.2); c.4271A>G, p.Asn1424Ser (NM_001330083.2); c.4370A>G, p.Asn1457Ser (NM_001330084.2); c.4409A>G, p.Asn1470Ser (NM_001330085.2); and 12 more; short protein forms N111S, N114S, N1409S, N1412S, N1419S, N1424S, N1432S, N1449S.
Identifiers: ClinVar variation 1055308 (VCV001055308.9), dbSNP rs899601870, ClinGen allele CA47801016.